The following is an entry in ClinVar:

ClinVar aggregate classification (germline): Uncertain significance (1 of 4 stars; one submission).

Submission:

GeneDx
Classification: Uncertain significance. Last evaluated: 2025-02-03. Review status: criteria provided, single submitter. Criteria: GeneDx Variant Classification Process June 2021. Collection method: clinical testing. Allele origin: germline. Affected: yes.
Comment: Not observed at significant frequency in large population cohorts (gnomAD); In silico analysis supports that this missense variant has a deleterious effect on protein structure/function; Has not been previously published as pathogenic or benign to our knowledge

NM_000540.3(RYR1):c.7685T>C (p.Ile2562Thr)

Gene: RYR1 (ryanodine receptor 1; plus strand). Cytogenetic location: 19q13.2.
Variant type: single nucleotide variant.
Coding change: c.7685T>C on transcript NM_000540.3 (MANE Select); coding-DNA position 7685, T replaced by C.
Protein change: p.Ile2562Thr; replaces isoleucine 2562 with threonine.
Molecular consequence: missense variant.
Genome position (GRCh38, 1-based): chr19:38,502,577, T>C. VCF-style: chr19-38502577-T-C. GRCh37 (hg19) VCF-style: chr19-38993217-T-C.
Other names: c.7685T>C, p.Ile2562Thr (NM_001042723.2); short protein forms I2562T.
Identifiers: ClinVar variation 4072683 (VCV004072683.1).
Genomic context (GRCh38, chr19:38,502,577, plus strand): 5'-GCACCACCGAGATGGCGCTGGCGCTGAACCGCTACCTGTGCCTGGCCGTGCTGCCGCTCA[T>C]CACCAAGTGTGCGCCGCTCTTTGCGGGCACAGAACACCGCGCCATCATGGTGGACTCTAT-3'
Protein context (NP_000531.2, residues 2552-2572): RYLCLAVLPL[Ile2562Thr]TKCAPLFAGT